The following is an entry in ClinVar:

NM_004725.4(BUB3):c.134C>T (p.Pro45Leu)

Genes: BUB3 (BUB3 mitotic checkpoint protein; plus strand), LOC130004885 (ATAC-STARR-seq lymphoblastoid active region 4151; plus strand). Cytogenetic location: 10q26.13.
Variant type: single nucleotide variant.
Coding change: c.134C>T on transcript NM_004725.4 (MANE Select); coding-DNA position 134, C replaced by T.
Protein change: p.Pro45Leu; replaces proline 45 with leucine.
Molecular consequence: missense variant.
Genome position (GRCh38, 1-based): chr10:123,155,051, C>T. VCF-style: chr10-123155051-C-T. GRCh37 (hg19) VCF-style: chr10-124914567-C-T.
Other names: c.134C>T, p.Pro45Leu (NM_001007793.3); short protein forms P45L.
Identifiers: ClinVar variation 1770566 (VCV001770566.2), dbSNP rs754236959, ClinGen allele CA378625012.

ClinVar aggregate classification (germline): Uncertain significance (1 of 4 stars; one submission).

gnomAD v4.1: 2 of 1,614,136 alleles (0.00012%); highest among the groups gnomAD compares: African/African-American, 0.0027%; no homozygotes.

Submission:

Ambry Genetics
Classification: Uncertain significance. Last evaluated: 2022-07-05. Review status: criteria provided, single submitter. Criteria: Ambry Variant Classification Scheme 2023. Collection method: clinical testing. Allele origin: germline.
Comment: The p.P45L variant (also known as c.134C>T), located in coding exon 1 of the BUB3 gene, results from a C to T substitution at nucleotide position 134. The proline at codon 45 is replaced by leucine, an amino acid with similar properties. This amino acid position is conserved. In addition, this alteration is predicted to be tolerated by in silico analysis. Since supporting evidence is limited at this time, the clinical significance of this alteration remains unclear.